The following is an entry in ClinVar:

ClinVar aggregate classification (germline): Conflicting classifications of pathogenicity. Review status: criteria provided, conflicting classifications (1 of 4 stars). 6 submissions from 6 submitters: Uncertain significance (5); Likely benign (1). Last evaluated 2025-10-21.

Conditions:
Age related macular degeneration 1 (ARMD1). Also called: MACULOPATHY, AGE-RELATED, 1. Identifiers: MedGen C1864205, MONDO:0011285, OMIM 603075.

Allele frequency attached by ClinVar (database versions not stated): ExAC 0.00010; gnomAD exomes 0.00017 and 0.00045; ESP Exome Variant Server 0.00031; gnomAD 0.00031 and 0.00033; TOPMed 0.00043.
gnomAD v4.1: 707 of 1,613,878 alleles (0.044%); highest among the groups gnomAD compares: Non-Finnish European, 0.054%; 2 homozygotes.

Submissions (6):

Labcorp Genetics (formerly Invitae), Labcorp
Classification: Uncertain significance. Last evaluated: 2025-10-21. Review status: criteria provided, single submitter. Criteria: Invitae Variant Classification Sherloc (09022015). Collection method: clinical testing. Allele origin: germline.
Comment: This sequence change replaces arginine, which is basic and polar, with glutamine, which is neutral and polar, at codon 4976 of the HMCN1 protein (p.Arg4976Gln). This variant is present in population databases (rs201563661, gnomAD 0.03%). This variant has not been reported in the literature in individuals affected with HMCN1-related conditions. ClinVar contains an entry for this variant (Variation ID: 294281). An algorithm developed to predict the effect of missense changes on protein structure and function (PolyPhen-2) suggests that this variant is likely to be disruptive. In summary, the available evidence is currently insufficient to determine the role of this variant in disease. Therefore, it has been classified as a Variant of Uncertain Significance.

CeGaT Center for Human Genetics Tuebingen
Classification: Likely benign. Last evaluated: 2025-07-01. Review status: criteria provided, single submitter. Criteria: CeGaT Center For Human Genetics Tuebingen Variant Classification Criteria Version 2. Collection method: clinical testing. Allele origin: germline. Affected: yes. Observed: 1 variant allele.
Comment: HMCN1: BP4

Ambry Genetics
Classification: Uncertain significance. Last evaluated: 2024-01-23. Review status: criteria provided, single submitter. Criteria: Ambry Variant Classification Scheme 2023. Collection method: clinical testing. Allele origin: germline.

Genome-Nilou Lab
Classification: Uncertain significance for Age related macular degeneration 1. Last evaluated: 2023-04-11. Review status: criteria provided, single submitter. Criteria: ACMG Guidelines, 2015. Collection method: clinical testing. Allele origin: germline. Affected: no.

Illumina Laboratory Services, Illumina
Classification: Uncertain significance for Age related macular degeneration 1. Last evaluated: 2018-01-12. Review status: criteria provided, single submitter. Criteria: ICSL Variant Classification Criteria 13 December 2019. Collection method: clinical testing. Allele origin: germline.

Breakthrough Genomics
Classification: Uncertain significance. Review status: criteria provided, single submitter. Criteria: ACMG Guidelines, 2015. Collection method: not provided. Allele origin: germline. Inheritance: Autosomal dominant inheritance. Affected: yes.

NM_031935.3(HMCN1):c.14927G>A (p.Arg4976Gln)

Gene: HMCN1 (hemicentin 1; plus strand). Cytogenetic location: 1q31.1.
Variant type: single nucleotide variant.
Coding change: c.14927G>A on transcript NM_031935.3 (MANE Select); coding-DNA position 14927, G replaced by A.
Protein change: p.Arg4976Gln; replaces arginine 4976 with glutamine.
Molecular consequence: missense variant.
Genome position (GRCh38, 1-based): chr1:186,152,780, G>A. VCF-style: chr1-186152780-G-A. GRCh37 (hg19) VCF-style: chr1-186121912-G-A.
Other names: short protein forms R4976Q.
Identifiers: ClinVar variation 294281 (VCV000294281.22), dbSNP rs201563661, ClinGen allele CA1295106.